The following is an entry in ClinVar:

ClinVar aggregate classification (germline): Likely pathogenic (1 of 4 stars; one submission).

Conditions:
Mosaic variegated aneuploidy syndrome 2 (MVA2). Identifiers: Orphanet 1052, MedGen C3279843, MONDO:0013582, OMIM 614114.

gnomAD v4.1: 2 of 1,612,960 alleles (0.00012%); highest among the groups gnomAD compares: Non-Finnish European, 0.00017%; no homozygotes.

Submission:

Labcorp Genetics (formerly Invitae), Labcorp
Classification: Likely pathogenic for Mosaic variegated aneuploidy syndrome 2. Last evaluated: 2023-09-11. Review status: criteria provided, single submitter. Criteria: Invitae Variant Classification Sherloc (09022015). Collection method: clinical testing. Allele origin: germline.
Comment: In summary, the currently available evidence indicates that the variant is pathogenic, but additional data are needed to prove that conclusively. Therefore, this variant has been classified as Likely Pathogenic. Algorithms developed to predict the effect of sequence changes on RNA splicing suggest that this variant may disrupt the consensus splice site. This variant has not been reported in the literature in individuals affected with CEP57-related conditions. This variant is not present in population databases (gnomAD no frequency). This sequence change affects a donor splice site in intron 6 of the CEP57 gene. It is expected to disrupt RNA splicing. Variants that disrupt the donor or acceptor splice site typically lead to a loss of protein function (PMID: 16199547), and loss-of-function variants in CEP57 are known to be pathogenic (PMID: 21552266, 24259107).

Literature cited by the submitters: PubMed 16199547; PubMed 21552266; PubMed 24259107.

NM_014679.5(CEP57):c.699+1G>T

Gene: CEP57 (centrosomal protein 57; plus strand). Cytogenetic location: 11q21.
Variant type: single nucleotide variant.
Coding change: c.699+1G>T on transcript NM_014679.5 (MANE Select); the canonical splice donor site of the intron after coding-DNA position 699, G replaced by T.
Molecular consequence: splice donor variant.
Genome position (GRCh38, 1-based): chr11:95,818,905, G>T. VCF-style: chr11-95818905-G-T. GRCh37 (hg19) VCF-style: chr11-95552069-G-T.
Other names: c.618+1G>T (NM_001363604.2); c.672+1G>T (NM_001243776.2); c.699+1G>T (NM_001243777.2).
Identifiers: ClinVar variation 2884194 (VCV002884194.3), dbSNP rs1452779317, ClinGen allele CA382424168.
Genomic context (GRCh38, chr11:95,818,905, plus strand): 5'-GAAGCAAAACTCCATGAAGAAGAACAGGAAAGGAAACGCATGCAAGCTAAGGCAGCTGAG[G>T]TAAGTTAAAATGTGAGAAAGTGGGCTCTTCATATTTCTTACCGCTTTTTGTGTACAAGTA-3'